The following is an entry in ClinVar:

NM_014550.4(CARD10):c.1149T>C (p.Thr383=)

Gene: CARD10 (caspase recruitment domain family member 10; minus strand). Cytogenetic location: 22q13.1.
Variant type: single nucleotide variant.
Coding change: c.1149T>C on transcript NM_014550.4 (MANE Select); coding-DNA position 1149, T replaced by C.
Protein change: p.Thr383=; no amino-acid change (threonine 383 retained).
Molecular consequence: synonymous variant.
Genome position (GRCh38, 1-based): chr22:37,507,871, A>G on the plus strand (T>C on the coding strand, the complement: CARD10 is on the minus strand). VCF-style: chr22-37507871-A-G. GRCh37 (hg19) VCF-style: chr22-37903878-A-G.
Identifiers: ClinVar variation 790775 (VCV000790775.7), dbSNP rs9619680, ClinGen allele CA10219947.
Genomic context (GRCh38, chr22:37,507,871, plus strand): 5'-CACGCAGGCTGGGCTCACCTGGTCTCGCTCCTTCTCAATCTCCTCCAGTTGGGCCAGGAC[A>G]GTGGCCATGCGGTGCTTGTACAGGTCACAGTCCTTCTGCAGCGTGCGGTGCTTGAGCCGC-3'
Protein context (NP_055365.2, residues 373-393): DCDLYKHRMA[Thr383=]VLAQLEEIEK

ClinVar aggregate classification (germline): Benign. Review status: criteria provided, multiple submitters, no conflicts (2 of 4 stars). 3 submissions from 3 submitters: Benign (2). 1 of the submissions does not count toward it. Last evaluated 2019-12-31.

Conditions:
CARD10-related disorder. Also called: CARD10-related condition.

Allele frequency attached by ClinVar (database versions not stated): gnomAD exomes 0.00142 and 0.00409; ExAC 0.00499; gnomAD 0.01546 and 0.01662; TOPMed 0.01730; 1000 Genomes Project 0.01777; 1000 Genomes Project 30x 0.01780; ESP Exome Variant Server 0.02014.

Submissions (3):

Labcorp Genetics (formerly Invitae), Labcorp
Classification: Benign. Last evaluated: 2019-12-31. Review status: criteria provided, single submitter. Criteria: Invitae Variant Classification Sherloc (09022015). Collection method: clinical testing. Allele origin: germline.

Breakthrough Genomics
Classification: Benign. Review status: criteria provided, single submitter. Criteria: ACMG Guidelines, 2015. Collection method: not provided. Allele origin: germline. Inheritance: Autosomal recessive inheritance. Affected: yes.

PreventionGenetics, part of Exact Sciences
Classification: Benign for CARD10-related condition. Last evaluated: 2019-04-09. Review status: no assertion criteria provided. Collection method: clinical testing. Allele origin: germline. Not counted in ClinVar's aggregate classification.
Comment: This variant is classified as benign based on ACMG/AMP sequence variant interpretation guidelines (Richards et al. 2015 PMID: 25741868, with internal and published modifications).